The following is an entry in ClinVar:

ClinVar aggregate classification (germline): Likely pathogenic (1 of 4 stars; one submission).

Conditions:
Severe early-childhood-onset retinal dystrophy (STGD1). Also called: Stargardt macular dystrophy; Juvenile onset macular degeneration; Stargardt disease 1; MACULAR DYSTROPHY WITH FLECKS, TYPE 1; STGD. Identifiers: Orphanet 364055, Orphanet 827, MedGen C1855465, MeSH D000080362, MONDO:0009549, OMIM 248200.
Age related macular degeneration 2. Also called: MACULAR DEGENERATION, SENILE; MACULOPATHY, AGE-RELATED, 2; MACULOPATHY, AGE-RELATED. Identifiers: MedGen C3495438, MONDO:0007932, OMIM 153800.
Cone-rod dystrophy 3 (CORD3). Identifiers: Orphanet 1872, MedGen C1858806, MONDO:0011395, OMIM 604116.
Retinitis pigmentosa 19 (RP19). Also called: ABCA4-Related Retinitis Pigmentosa. Identifiers: Orphanet 791, MedGen C1866422, MONDO:0011137, OMIM 601718.

Submission:

Juno Genomics, Hangzhou Juno Genomics, Inc
Classification: Likely pathogenic for Age related macular degeneration 2; Cone-rod dystrophy 3; Severe early-childhood-onset retinal dystrophy; Retinitis pigmentosa 19. Review status: criteria provided, single submitter. Criteria: ACMG Guidelines, 2015. Collection method: clinical testing. Allele origin: germline. Affected: yes.
Comment: Absent from controls (or at extremely low frequency if recessive) in Genome Aggregation Database, Exome Sequencing Project, 1000 Genomes Project, or Exome Aggregation Consortium.;Well-established in vitro or in vivo functional studies supportive of a damaging effect on the gene or gene product.;For recessive disorders, detected in trans with a pathogenic variant.

NM_000350.3(ABCA4):c.5461-6T>G

Gene: ABCA4 (ATP binding cassette subfamily A member 4; minus strand). Cytogenetic location: 1p22.1.
Variant type: single nucleotide variant.
Coding change: c.5461-6T>G on transcript NM_000350.3 (MANE Select); 6 bases into the intron before coding-DNA position 5461, T replaced by G.
Molecular consequence: intron variant.
Genome position (GRCh38, 1-based): chr1:94,011,391, A>C on the plus strand (T>G on the coding strand, the complement: ABCA4 is on the minus strand). VCF-style: chr1-94011391-A-C. GRCh37 (hg19) VCF-style: chr1-94476947-A-C.
Other names: c.5239-6T>G (NM_001425324.1).
Identifiers: ClinVar variation 3381910 (VCV003381910.2).